The following is an entry in ClinVar:

ClinVar aggregate classification (germline): Likely benign. Review status: criteria provided, multiple submitters, no conflicts (2 of 4 stars). 2 submissions from 2 submitters: Likely benign (2). Last evaluated 2024-11-13.

Conditions:
Christianson syndrome (MRXSCH). Also called: SLC9A6-Related Syndromic Mental Retardation; X-linked mental retardation, syndromic, Christianson type; INTELLECTUAL DEVELOPMENTAL DISORDER, X-LINKED, SYNDROMIC, CHRISTIANSON TYPE. Identifiers: Orphanet 85278, MedGen C2678194, MONDO:0010278, OMIM 300243.

Allele frequency attached by ClinVar (database versions not stated): ExAC 0.00001; TOPMed 0.00004.
gnomAD v4.1: 9 of 1,204,942 alleles (0.00075%); highest among the groups gnomAD compares: African/African-American, 0.011%; no homozygotes.

Submissions (2):

Labcorp Genetics (formerly Invitae), Labcorp
Classification: Likely benign for Christianson syndrome. Last evaluated: 2024-11-13. Review status: criteria provided, single submitter. Criteria: Invitae Variant Classification Sherloc (09022015). Collection method: clinical testing. Allele origin: germline.

GeneDx
Classification: Likely benign. Last evaluated: 2017-08-09. Review status: criteria provided, single submitter. Criteria: GeneDx Variant Classification (06012015). Collection method: clinical testing. Allele origin: germline. Affected: yes.
Comment: This variant is considered likely benign or benign based on one or more of the following criteria: it is a conservative change, it occurs at a poorly conserved position in the protein, it is predicted to be benign by multiple in silico algorithms, and/or has population frequency not consistent with disease.

NM_001379110.1(SLC9A6):c.1038G>A (p.Thr346=)

Gene: SLC9A6 (solute carrier family 9 member A6; plus strand). Cytogenetic location: Xq26.3.
Variant type: single nucleotide variant.
Coding change: c.1038G>A on transcript NM_001379110.1 (MANE Select); coding-DNA position 1038, G replaced by A.
Protein change: p.Thr346=; no amino-acid change (threonine 346 retained).
Molecular consequence: synonymous variant.
Genome position (GRCh38, 1-based): chrX:136,013,395, G>A. VCF-style: chrX-136013395-G-A. GRCh37 (hg19) VCF-style: chrX-135095554-G-A.
Other names: c.1194G>A, p.Thr398= (NM_001042537.2); c.1038G>A, p.Thr346= (NM_001177651.2); c.942G>A, p.Thr314= (NM_001330652.2); c.1098G>A, p.Thr366= (NM_006359.3).
Identifiers: ClinVar variation 511385 (VCV000511385.10), dbSNP rs782783023, ClinGen allele CA10524756.